The following is an entry in ClinVar:

ClinVar aggregate classification (germline): Conflicting classifications of pathogenicity. Review status: criteria provided, conflicting classifications (1 of 4 stars). 4 submissions from 4 submitters: Uncertain significance (3); Likely benign (1). Last evaluated 2026-01-16.

Conditions:
Hereditary cancer-predisposing syndrome. Also called: Neoplastic Syndromes, Hereditary; Hereditary neoplastic syndrome; Tumor predisposition; Hereditary Cancer Syndrome. Identifiers: Orphanet 140162, MedGen C0027672, MeSH D009386, MONDO:0015356.
Tuberous sclerosis 1 (TSC1). Identifiers: Orphanet 805, MedGen C1854465, MONDO:0008612, OMIM 191100.
Tuberous sclerosis syndrome (TSC). Also called: Tuberous Sclerosis Complex; Tuberous sclerosis. Identifiers: Orphanet 805, MedGen C0041341, MONDO:0001734.

Allele frequency attached by ClinVar (database versions not stated): ExAC 0.00001; gnomAD 0.00001; gnomAD exomes 0.00001 and 0.00002; TOPMed 0.00001.
gnomAD v4.1: 24 of 1,610,070 alleles (0.0015%); highest among the groups gnomAD compares: Non-Finnish European, 0.0019%; no homozygotes.

Submissions (4):

Labcorp Genetics (formerly Invitae), Labcorp
Classification: Likely benign for Tuberous sclerosis 1. Last evaluated: 2026-01-16. Review status: criteria provided, single submitter. Criteria: Invitae Variant Classification Sherloc (09022015). Collection method: clinical testing. Allele origin: germline.

Ambry Genetics
Classification: Uncertain significance for Hereditary cancer-predisposing syndrome. Last evaluated: 2025-05-15. Review status: criteria provided, single submitter. Criteria: Ambry Variant Classification Scheme 2023. Collection method: clinical testing. Allele origin: germline.
Comment: The p.R908Q variant (also known as c.2723G>A), located in coding exon 19 of the TSC1 gene, results from a G to A substitution at nucleotide position 2723. The arginine at codon 908 is replaced by glutamine, an amino acid with highly similar properties. This amino acid position is highly conserved in available vertebrate species. In addition, this alteration is predicted to be deleterious by in silico analysis. Based on the available evidence, the clinical significance of this variant remains unclear.

All of Us Research Program, National Institutes of Health
Classification: Uncertain significance for Tuberous sclerosis syndrome. Last evaluated: 2024-05-14. Review status: criteria provided, single submitter. Criteria: ACMG Guidelines, 2015. Collection method: clinical testing. Allele origin: germline. Inheritance: Autosomal dominant inheritance. Observed: 3 variant alleles, 3 heterozygotes.
Comment: This missense variant replaces arginine with glutamine at codon 908 of the TSC1 protein. Computational prediction suggests that this variant may not impact protein structure and function (internally defined REVEL score threshold <= 0.5, PMID: 27666373). To our knowledge, functional studies have not been reported for this variant. This variant has not been reported in individuals affected with TSC1-related disorders in the literature. This variant has been identified in 2/251396 chromosomes in the general population by the Genome Aggregation Database (gnomAD). The available evidence is insufficient to determine the role of this variant in disease conclusively. Therefore, this variant is classified as a Variant of Uncertain Significance.

This study involves interpretation of variants in research participants for the purpose of population health screening. Participant phenotype was not available at the time of variant classification. Additional details can be found in publication PMID: 35346344, PMCID: PMC8962531

Color Diagnostics, LLC DBA Color Health
Classification: Uncertain significance for Tuberous sclerosis syndrome. Last evaluated: 2024-03-06. Review status: criteria provided, single submitter. Criteria: ACMG Guidelines, 2015. Collection method: clinical testing. Allele origin: germline.
Comment: This missense variant replaces arginine with glutamine at codon 908 of the TSC1 protein. Computational prediction suggests that this variant may not impact protein structure and function (internally defined REVEL score threshold <= 0.5, PMID: 27666373). To our knowledge, functional studies have not been reported for this variant. This variant has not been reported in individuals affected with TSC1-related disorders in the literature. This variant has been identified in 2/251396 chromosomes in the general population by the Genome Aggregation Database (gnomAD). The available evidence is insufficient to determine the role of this variant in disease conclusively. Therefore, this variant is classified as a Variant of Uncertain Significance.

NM_000368.5(TSC1):c.2723G>A (p.Arg908Gln)

Gene: TSC1 (TSC complex subunit 1; minus strand). Cytogenetic location: 9q34.13.
Variant type: single nucleotide variant.
Coding change: c.2723G>A on transcript NM_000368.5 (MANE Select); coding-DNA position 2723, G replaced by A.
Protein change: p.Arg908Gln; replaces arginine 908 with glutamine.
Molecular consequence: missense variant.
Genome position (GRCh38, 1-based): chr9:132,897,513, C>T on the plus strand (G>A on the coding strand, the complement: TSC1 is on the minus strand). VCF-style: chr9-132897513-C-T. GRCh37 (hg19) VCF-style: chr9-135772900-C-T.
Other names: c.2720G>A, p.Arg907Gln (NM_001162426.2); c.2570G>A, p.Arg857Gln (NM_001162427.2); c.2360G>A, p.Arg787Gln (NM_001362177.2); short protein forms R908Q, R787Q, R857Q, R907Q.
Identifiers: ClinVar variation 534452 (VCV000534452.20), dbSNP rs780115763, ClinGen allele CA034413.